The following is an entry in ClinVar:

NM_001098.3(ACO2):c.1436G>C (p.Arg479Pro)

Gene: ACO2 (aconitase 2; plus strand). Cytogenetic location: 22q13.2.
Variant type: single nucleotide variant.
Coding change: c.1436G>C on transcript NM_001098.3 (MANE Select); coding-DNA position 1436, G replaced by C.
Protein change: p.Arg479Pro; replaces arginine 479 with proline.
Molecular consequence: missense variant.
Genome position (GRCh38, 1-based): chr22:41,523,895, G>C. VCF-style: chr22-41523895-G-C. GRCh37 (hg19) VCF-style: chr22-41919899-G-C.
Other names: short protein forms R479P.
Identifiers: ClinVar variation 4985746 (VCV004985746.1).

ClinVar aggregate classification (germline): Uncertain significance (1 of 4 stars; one submission).

Conditions:
ACO2-related disorder. Also called: ACO2-Related Disorders.

Submission:

PreventionGenetics, part of Exact Sciences
Classification: Uncertain significance for ACO2-related condition. Last evaluated: 2025-02-21. Review status: criteria provided, single submitter. Criteria: ACMG Guidelines, 2015. Collection method: clinical testing. Allele origin: germline.
Comment: The ACO2 c.1436G>C variant is predicted to result in the amino acid substitution p.Arg479Pro. To our knowledge, this variant has not been reported in the literature or in a large population database (gnomAD), indicating this variant is rare. An alternate nucleotide change affecting the same amino acid (c.1436G>A; p.Arg479His) has been reported in an individual with autism spectrum disorder (Zhou et al. 2022. PubMed ID: 35982159). At this time, the clinical significance of this variant is uncertain due to the absence of conclusive functional and genetic evidence.